The following is an entry in ClinVar:

NM_032119.4(ADGRV1):c.12257C>G (p.Pro4086Arg)

Gene: ADGRV1 (adhesion G protein-coupled receptor V1; plus strand). Cytogenetic location: 5q14.3.
Variant type: single nucleotide variant.
Coding change: c.12257C>G on transcript NM_032119.4 (MANE Select); coding-DNA position 12257, C replaced by G.
Protein change: p.Pro4086Arg; replaces proline 4086 with arginine.
Molecular consequence: missense variant. On other transcripts: non-coding transcript variant (1).
Genome position (GRCh38, 1-based): chr5:90,763,441, C>G. VCF-style: chr5-90763441-C-G. GRCh37 (hg19) VCF-style: chr5-90059258-C-G.
Other names: short protein forms P4086R.
Identifiers: ClinVar variation 1960793 (VCV001960793.8), dbSNP rs749313133, ClinGen allele CA3341182.

ClinVar aggregate classification (germline): Conflicting classifications of pathogenicity. Review status: criteria provided, conflicting classifications (1 of 4 stars). 3 submissions from 3 submitters: Uncertain significance (2); Likely benign (1). Last evaluated 2025-09-02.

Conditions:
Inborn genetic diseases. Identifiers: MedGen C0950123, MeSH D030342.

Allele frequency attached by ClinVar (database versions not stated): ExAC 0.00001; gnomAD 0.00001; gnomAD exomes 0.00001; TOPMed 0.00002.
gnomAD v4.1: 5 of 1,613,344 alleles (0.00031%); highest among the groups gnomAD compares: Admixed American, 0.0067%; no homozygotes.

Submissions (3):

Labcorp Genetics (formerly Invitae), Labcorp
Classification: Likely benign. Last evaluated: 2025-09-02. Review status: criteria provided, single submitter. Criteria: Invitae Variant Classification Sherloc (09022015). Collection method: clinical testing. Allele origin: germline.

Ambry Genetics
Classification: Uncertain significance for Inborn genetic diseases. Last evaluated: 2025-08-11. Review status: criteria provided, single submitter. Criteria: Ambry Variant Classification Scheme 2023. Collection method: clinical testing. Allele origin: germline.

GeneDx
Classification: Uncertain significance. Last evaluated: 2023-12-14. Review status: criteria provided, single submitter. Criteria: GeneDx Variant Classification Process June 2021. Collection method: clinical testing. Allele origin: germline. Affected: yes.
Comment: In silico analysis supports that this missense variant has a deleterious effect on protein structure/function; Has not been previously published as pathogenic or benign to our knowledge